The following is an entry in ClinVar:

NM_018206.6(VPS35):c.2035T>C (p.Ser679Pro)

Gene: VPS35 (VPS35 retromer complex component; minus strand). Cytogenetic location: 16q11.2.
Variant type: single nucleotide variant.
Coding change: c.2035T>C on transcript NM_018206.6 (MANE Select); coding-DNA position 2035, T replaced by C.
Protein change: p.Ser679Pro; replaces serine 679 with proline.
Molecular consequence: missense variant.
Genome position (GRCh38, 1-based): chr16:46,662,275, A>G on the plus strand (T>C on the coding strand, the complement: VPS35 is on the minus strand). VCF-style: chr16-46662275-A-G. GRCh37 (hg19) VCF-style: chr16-46696187-A-G.
Other names: short protein forms S679P.
Identifiers: ClinVar variation 3906474 (VCV003906474.2).

ClinVar aggregate classification (germline): Uncertain significance (1 of 4 stars; one submission).

gnomAD v4.1: 8 of 1,614,108 alleles (0.0005%); highest among the groups gnomAD compares: East Asian, 0.018%; no homozygotes.

Submission:

GeneDx
Classification: Uncertain significance. Last evaluated: 2026-10-07. Review status: criteria provided, single submitter. Criteria: GeneDx Variant Classification Process June 2021. Collection method: clinical testing. Allele origin: germline.
Comment: Reported previously in individuals with a personal and/or family history of Parkinson disease (PMID: 30788857, 35861376); In silico analysis supports that this missense variant has a deleterious effect on protein structure/function; This variant is associated with the following publications: (PMID: 35861376, 30788857, 30598256)